The following is an entry in ClinVar:

NM_001378452.1(ITPR1):c.4057G>A (p.Val1353Met)

Gene: ITPR1 (inositol 1,4,5-trisphosphate receptor type 1; plus strand). Cytogenetic location: 3p26.1.
Variant type: single nucleotide variant.
Coding change: c.4057G>A on transcript NM_001378452.1 (MANE Select); coding-DNA position 4057, G replaced by A.
Protein change: p.Val1353Met; replaces valine 1353 with methionine.
Molecular consequence: missense variant.
Genome position (GRCh38, 1-based): chr3:4,693,517, G>A. VCF-style: chr3-4693517-G-A. GRCh37 (hg19) VCF-style: chr3-4735201-G-A.
Other names: c.4030G>A, p.Val1344Met (NM_001099952.4); c.4012G>A, p.Val1338Met (NM_001168272.2); c.3985G>A, p.Val1329Met (NM_002222.7); c.3985G>A (NM_002222.5); short protein forms V1344M, V1353M, V1329M, V1338M.
Identifiers: ClinVar variation 1935802 (VCV001935802.6), dbSNP rs1171512407, ClinGen allele CA351631312.
Genomic context (GRCh38, chr3:4,693,517, plus strand): 5'-TTGTAATCTAAACCCACCCTGTTCTTTATGTAGCTGGTCAATTCGGGAGAGGATGTCCTC[G>A]TGTTCTACAACGACAGAGCCTCTTTCCAGACTCTGATCCAGATGATGCGGTCAGAACGGG-3'
Protein context (NP_001365381.1, residues 1343-1363): ELVNSGEDVL[Val1353Met]FYNDRASFQT

ClinVar aggregate classification (germline): Uncertain significance. Review status: criteria provided, multiple submitters, no conflicts (2 of 4 stars). 2 submissions from 2 submitters: Uncertain significance (2). Last evaluated 2025-12-19.

Allele frequency attached by ClinVar (database versions not stated): TOPMed below 0.00001; gnomAD 0.00001.
gnomAD v4.1: 4 of 1,613,770 alleles (0.00025%); highest among the groups gnomAD compares: South Asian, 0.0022%; no homozygotes.

Submissions (2):

Labcorp Genetics (formerly Invitae), Labcorp
Classification: Uncertain significance. Last evaluated: 2025-12-19. Review status: criteria provided, single submitter. Criteria: Invitae Variant Classification Sherloc (09022015). Collection method: clinical testing. Allele origin: germline.
Comment: This sequence change replaces valine, which is neutral and non-polar, with methionine, which is neutral and non-polar, at codon 1329 of the ITPR1 protein (p.Val1329Met). This variant is not present in population databases (gnomAD no frequency). This missense change has been observed in individual(s) with autism (PMID: 35982159). ClinVar contains an entry for this variant (Variation ID: 1935802). Invitae Evidence Modeling of protein sequence and biophysical properties (such as structural, functional, and spatial information, amino acid conservation, physicochemical variation, residue mobility, and thermodynamic stability) indicates that this missense variant is not expected to disrupt ITPR1 protein function with a negative predictive value of 80%. In summary, the available evidence is currently insufficient to determine the role of this variant in disease. Therefore, it has been classified as a Variant of Uncertain Significance.

GeneDx
Classification: Uncertain significance. Last evaluated: 2022-08-23. Review status: criteria provided, single submitter. Criteria: GeneDx Variant Classification Process June 2021. Collection method: clinical testing. Allele origin: germline. Affected: yes.
Comment: Not observed at significant frequency in large population cohorts (gnomAD); In silico analysis supports that this missense variant does not alter protein structure/function; Has not been previously published as pathogenic or benign to our knowledge

Literature cited by the submitters: PubMed 35982159 (cited by Labcorp Genetics (formerly Invitae), Labcorp).